The following is an entry in ClinVar:

ClinVar aggregate classification (germline): Uncertain significance (1 of 4 stars; one submission).

gnomAD v4.1: 1 of 1,608,026 alleles (0.000062%); highest among the groups gnomAD compares: Non-Finnish European, 0.000085%; no homozygotes.

Submission:

Labcorp Genetics (formerly Invitae), Labcorp
Classification: Uncertain significance. Last evaluated: 2024-08-05. Review status: criteria provided, single submitter. Criteria: Invitae Variant Classification Sherloc (09022015). Collection method: clinical testing. Allele origin: germline.
Comment: This sequence change replaces serine, which is neutral and polar, with asparagine, which is neutral and polar, at codon 391 of the IKZF1 protein (p.Ser391Asn). This variant is not present in population databases (gnomAD no frequency). This variant has not been reported in the literature in individuals affected with IKZF1-related conditions. An algorithm developed to predict the effect of missense changes on protein structure and function (PolyPhen-2) suggests that this variant is likely to be tolerated. In summary, the available evidence is currently insufficient to determine the role of this variant in disease. Therefore, it has been classified as a Variant of Uncertain Significance.

NM_006060.6(IKZF1):c.1172G>A (p.Ser391Asn)

Gene: IKZF1 (IKAROS family zinc finger 1; plus strand). Cytogenetic location: 7p12.2.
Variant type: single nucleotide variant.
Coding change: c.1172G>A on transcript NM_006060.6 (MANE Select); coding-DNA position 1172, G replaced by A.
Protein change: p.Ser391Asn; replaces serine 391 with asparagine.
Molecular consequence: missense variant.
Genome position (GRCh38, 1-based): chr7:50,400,239, G>A. VCF-style: chr7-50400239-G-A. GRCh37 (hg19) VCF-style: chr7-50467937-G-A.
Other names: c.1046G>A, p.Ser349Asn (NM_001220765.3, NM_001291837.2); c.881G>A, p.Ser294Asn (NM_001220767.2); c.911G>A, p.Ser304Asn (NM_001220768.2, NM_001291838.2); c.755G>A, p.Ser252Asn (NM_001220770.2); c.743G>A, p.Ser248Asn (NM_001220771.2, NM_001291841.1); c.785G>A, p.Ser262Asn (NM_001291839.2); c.482G>A, p.Ser161Asn (NM_001291840.1); c.713G>A, p.Ser238Asn (NM_001291842.1); and 3 more; short protein forms S252N, S262N, S161N, S196N, S206N, S238N, S248N, S304N.
Identifiers: ClinVar variation 3638220 (VCV003638220.2).